The following is an entry in ClinVar:

ClinVar aggregate classification (germline): Uncertain significance (1 of 4 stars; one submission).

Conditions:
SCAPER-related disorder. Also called: SCAPER-related condition.

gnomAD v4.1: 2 of 1,610,910 alleles (0.00012%); highest among the groups gnomAD compares: Non-Finnish European, 0.000085%; no homozygotes.

Submission:

PreventionGenetics, part of Exact Sciences
Classification: Uncertain significance for SCAPER-related condition. Last evaluated: 2025-06-06. Review status: criteria provided, single submitter. Criteria: ACMG Guidelines, 2015. Collection method: clinical testing. Allele origin: germline.
Comment: The SCAPER c.1744-8A>G variant is predicted to interfere with splicing. This variant is predicted to alter splicing based on available splicing prediction programs (SpliceAI, Jaganathan et al. 2019. PubMed ID: 30661751). To our knowledge, this variant has not been reported in the literature. This variant is reported in 0.0033% of alleles in individuals of South Asian descent in gnomAD. At this time, the clinical significance of this variant is uncertain due to the absence of conclusive functional and genetic evidence.

NM_020843.4(SCAPER):c.1726-8A>G

Gene: SCAPER (S-phase cyclin A associated protein in the ER; minus strand). Cytogenetic location: 15q24.3.
Variant type: single nucleotide variant.
Coding change: c.1726-8A>G on transcript NM_020843.4 (MANE Select); 8 bases into the intron before coding-DNA position 1726, A replaced by G.
Molecular consequence: intron variant.
Genome position (GRCh38, 1-based): chr15:76,753,956, T>C on the plus strand (A>G on the coding strand, the complement: SCAPER is on the minus strand). VCF-style: chr15-76753956-T-C. GRCh37 (hg19) VCF-style: chr15-77046297-T-C.
Other names: c.1342-8A>G (NM_001353011.2); c.1324-8A>G (NM_001353012.2, NM_001353010.2); c.1744-8A>G (NM_001353009.2); c.988-8A>G (NM_001145923.2).
Identifiers: ClinVar variation 4988987 (VCV004988987.1).